The following is an entry in ClinVar:

ClinVar aggregate classification (germline): Uncertain significance (1 of 4 stars; one submission).

Conditions:
Epidermolysis bullosa simplex 3, localized or generalized intermediate, with BP230 deficiency (EBS3). Also called: Epidermolysis bullosa simplex, autosomal recessive 2; Epidermolysis bullosa simplex due to BP230 deficiency. Identifiers: Orphanet 412181, MedGen C3809470, MONDO:0014180, OMIM 615425.
Hereditary sensory and autonomic neuropathy type 6. Also called: HSAN VI; Neuropathy, hereditary sensory and autonomic, type VI. Identifiers: Orphanet 314381, MedGen C3539003, MONDO:0013839, OMIM 614653.

gnomAD v4.1: 8 of 1,613,644 alleles (0.0005%); highest among the groups gnomAD compares: Admixed American, 0.0083%; no homozygotes.

Submission:

Labcorp Genetics (formerly Invitae), Labcorp
Classification: Uncertain significance for Epidermolysis bullosa simplex 3, localized or generalized intermediate, with BP230 deficiency; Hereditary sensory and autonomic neuropathy type 6. Last evaluated: 2026-01-02. Review status: criteria provided, single submitter. Criteria: Invitae Variant Classification Sherloc (09022015). Collection method: clinical testing. Allele origin: germline.
Comment: This sequence change replaces threonine, which is neutral and polar, with serine, which is neutral and polar, at codon 985 of the DST protein (p.Thr985Ser). This variant is not present in population databases (gnomAD no frequency). This variant has not been reported in the literature in individuals affected with DST-related conditions. An algorithm developed to predict the effect of missense changes on protein structure and function (PolyPhen-2) suggests that this variant is likely to be tolerated. In summary, the available evidence is currently insufficient to determine the role of this variant in disease. Therefore, it has been classified as a Variant of Uncertain Significance.

NM_001374736.1(DST):c.4565C>G (p.Thr1522Ser)

Gene: DST (dystonin; minus strand). Cytogenetic location: 6p12.1.
Variant type: single nucleotide variant.
Coding change: c.4565C>G on transcript NM_001374736.1 (MANE Select); coding-DNA position 4565, C replaced by G.
Protein change: p.Thr1522Ser; replaces threonine 1522 with serine.
Molecular consequence: missense variant.
Genome position (GRCh38, 1-based): chr6:56,628,072, G>C on the plus strand (C>G on the coding strand, the complement: DST is on the minus strand). VCF-style: chr6-56628072-G-C. GRCh37 (hg19) VCF-style: chr6-56492870-G-C.
Other names: c.4466C>G, p.Thr1489Ser (NM_001144769.5); c.4052C>G, p.Thr1351Ser (NM_001144770.2); c.4565C>G, p.Thr1522Ser (NM_001374722.1); c.3932C>G, p.Thr1311Ser (NM_001374729.1, NM_001374730.1, NM_001386100.1 and 1 more transcripts); c.4592C>G, p.Thr1531Ser (NM_001374734.1); c.2954C>G, p.Thr985Ser (NM_001723.7, NM_015548.5); short protein forms T1489S, T985S, T1351S, T1522S, T1531S, T1311S.
Identifiers: ClinVar variation 4788889 (VCV004788889.1).
Genomic context (GRCh38, chr6:56,628,072, plus strand): 5'-AACTGTGTGGCTAGGGTTTTACTATTTTCAGGCTGATTTTCCTGAATCTTTCTCTGAGTA[G>C]TTTCAACCTGCTGGATCCAATCATCTAAAGGATGGTAAGTGTCTCTGTAGTACTTCAGTG-3'
Protein context (NP_001361665.1, residues 1512-1532): PLDDWIQQVE[Thr1522Ser]TQRKIQENQP